The following is an entry in ClinVar:

ClinVar aggregate classification (germline): Likely benign. Review status: criteria provided, multiple submitters, no conflicts (2 of 4 stars). 2 submissions from 2 submitters: Likely benign (2). Last evaluated 2025-06-01.

gnomAD v4.1: 41 of 1,612,842 alleles (0.0025%); highest among the groups gnomAD compares: South Asian, 0.045%; 1 homozygote.

Submissions (2):

CeGaT Center for Human Genetics Tuebingen
Classification: Likely benign. Last evaluated: 2025-06-01. Review status: criteria provided, single submitter. Criteria: CeGaT Center For Human Genetics Tuebingen Variant Classification Criteria Version 2. Collection method: clinical testing. Allele origin: germline. Affected: yes. Observed: 1 variant allele.
Comment: NBAS: BP4, BP7

Labcorp Genetics (formerly Invitae), Labcorp
Classification: Likely benign. Last evaluated: 2025-04-23. Review status: criteria provided, single submitter. Criteria: Invitae Variant Classification Sherloc (09022015). Collection method: clinical testing. Allele origin: germline.

NM_015909.4(NBAS):c.4647T>C (p.Leu1549=)

Gene: NBAS (NBAS subunit of NRZ tethering complex; minus strand). Cytogenetic location: 2p24.3.
Variant type: single nucleotide variant.
Coding change: c.4647T>C on transcript NM_015909.4 (MANE Select); coding-DNA position 4647, T replaced by C.
Protein change: p.Leu1549=; no amino-acid change (leucine 1549 retained).
Molecular consequence: synonymous variant. On other transcripts: non-coding transcript variant (1).
Genome position (GRCh38, 1-based): chr2:15,309,183, A>G on the plus strand (T>C on the coding strand, the complement: NBAS is on the minus strand). VCF-style: chr2-15309183-A-G. GRCh37 (hg19) VCF-style: chr2-15449307-A-G.
Identifiers: ClinVar variation 3619954 (VCV003619954.12).